The following is an entry in ClinVar:

NM_001042492.3(NF1):c.1103del (p.Ser368fs)

Gene: NF1 (neurofibromin 1; plus strand). Cytogenetic location: 17q11.2.
Variant type: Deletion.
Coding change: c.1103del on transcript NM_001042492.3 (MANE Select); coding-DNA position 1103, one base deleted (G; older notation c.1103delG).
Protein change: p.Ser368fs; shifts the reading frame from serine 368.
Molecular consequence: frameshift variant.
Genome position (GRCh38, 1-based): chr17:31,201,077, G deleted. VCF-style (leftmost placement, unchanged base first): chr17-31201076-AG-A. GRCh37 (hg19) VCF-style: chr17-29528094-AG-A.
Other names: c.1103delG, p.Ser368Ilefs (NM_000267.4); c.1103del, p.Ser368fs (NM_001128147.3); short protein forms S368fs.
Identifiers: ClinVar variation 2035745 (VCV002035745.4), dbSNP rs2544796966, ClinGen allele CA2580092903.

ClinVar aggregate classification (germline): Pathogenic (1 of 4 stars; one submission).

Conditions:
Neurofibromatosis, type 1 (NF1). Also called: VON RECKLINGHAUSEN DISEASE; NEUROFIBROMATOSIS, TYPE I, SOMATIC; Neurofibromatosis, type I; Peripheral type neurofibromatosis. Identifiers: Orphanet 636, MedGen C0027831, MONDO:0018975, OMIM 162200. Disease mechanism: loss of function.

Submission:

Labcorp Genetics (formerly Invitae), Labcorp
Classification: Pathogenic for Neurofibromatosis, type 1. Last evaluated: 2022-10-16. Review status: criteria provided, single submitter. Criteria: Invitae Variant Classification Sherloc (09022015). Collection method: clinical testing. Allele origin: germline.
Comment: For these reasons, this variant has been classified as Pathogenic. This variant has not been reported in the literature in individuals affected with NF1-related conditions. This variant is not present in population databases (gnomAD no frequency). This sequence change creates a premature translational stop signal (p.Ser368Ilefs*8) in the NF1 gene. It is expected to result in an absent or disrupted protein product. Loss-of-function variants in NF1 are known to be pathogenic (PMID: 10712197, 23913538).

Literature cited by the submitters: PubMed 10712197; PubMed 23913538.